The following is an entry in ClinVar:

NM_018082.6(POLR3B):c.307C>T (p.Arg103Cys)

Gene: POLR3B (RNA polymerase III subunit B; plus strand). Cytogenetic location: 12q23.3.
Variant type: single nucleotide variant.
Coding change: c.307C>T on transcript NM_018082.6 (MANE Select); coding-DNA position 307, C replaced by T.
Protein change: p.Arg103Cys; replaces arginine 103 with cysteine.
Molecular consequence: missense variant.
Genome position (GRCh38, 1-based): chr12:106,369,586, C>T. VCF-style: chr12-106369586-C-T. GRCh37 (hg19) VCF-style: chr12-106763364-C-T.
Other names: c.133C>T, p.Arg45Cys (NM_001160708.2); short protein forms R103C, R45C.
Identifiers: ClinVar variation 1961274 (VCV001961274.6), dbSNP rs2036576728, ClinGen allele CA386385823.

ClinVar aggregate classification (germline): Uncertain significance. Review status: criteria provided, multiple submitters, no conflicts (2 of 4 stars). 2 submissions from 2 submitters: Uncertain significance (2). Last evaluated 2022-04-13.

gnomAD v4.1: 15 of 1,602,370 alleles (0.00094%); highest among the groups gnomAD compares: Non-Finnish European, 0.0012%; no homozygotes.

Submissions (2):

Labcorp Genetics (formerly Invitae), Labcorp
Classification: Uncertain significance. Last evaluated: 2022-04-13. Review status: criteria provided, single submitter. Criteria: Invitae Variant Classification Sherloc (09022015). Collection method: clinical testing. Allele origin: germline.
Comment: In summary, the available evidence is currently insufficient to determine the role of this variant in disease. Therefore, it has been classified as a Variant of Uncertain Significance. Algorithms developed to predict the effect of missense changes on protein structure and function (SIFT, PolyPhen-2, Align-GVGD) all suggest that this variant is likely to be disruptive. This missense change has been observed in individual(s) with leukodystrophy (Invitae). In at least one individual the data is consistent with being in trans (on the opposite chromosome) from a pathogenic variant. This variant is not present in population databases (gnomAD no frequency). This sequence change replaces arginine, which is basic and polar, with cysteine, which is neutral and slightly polar, at codon 103 of the POLR3B protein (p.Arg103Cys).

Blueprint Genetics
Classification: Uncertain significance. Last evaluated: 2021-05-27. Review status: criteria provided, single submitter. Criteria: ACMG Guidelines, 2015. Collection method: clinical testing. Allele origin: germline.